The following is an entry in ClinVar:

ClinVar aggregate classification (germline): Uncertain significance. Review status: criteria provided, single submitter (1 of 4 stars). 2 submissions from 2 submitters: Uncertain significance (1). 1 of the submissions does not count toward it. Last evaluated 2026-09-17.

Conditions:
Atypical hemolytic-uremic syndrome. Identifiers: Orphanet 2134, MedGen C2931788, MONDO:0016244.

Submissions (2):

Genomenon, Inc
Classification: Uncertain significance for Atypical hemolytic-uremic syndrome. Last evaluated: 2026-09-17. Review status: criteria provided, single submitter. Criteria: Genomenon Sequence Variant Interpretation Standards - Updated. Collection method: curation. Allele origin: germline. Affected: yes.
Comment: CFH p.Cys320Arg (c.958T>C) is a missense variant that changes the amino acid at codon 320 from cysteine to arginine. This variant has been observed in at least one proband affected with atypical hemolytic-uremic syndrome (PMID: 28941939). Functional studies have been reported (PMID: 28941939). It is absent or not present at a significant frequency in gnomAD. In silico models predict that this variant is possibly or probably damaging. In conclusion, we classify CFH p.Cys320Arg (c.958T>C) as a variant of uncertain significance.

Gharavi Laboratory, Columbia University
Classification: Uncertain significance. Last evaluated: 2018-09-16. Review status: no assertion criteria provided. Criteria: ACMG Guidelines, 2015. Collection method: research. Allele origin: germline. Affected: yes. Not counted in ClinVar's aggregate classification.

Literature cited by the submitters: PubMed 28941939 (cited by Genomenon, Inc).

NM_000186.4(CFH):c.958T>C (p.Cys320Arg)

Gene: CFH (complement factor H; plus strand). Cytogenetic location: 1q31.3.
Variant type: single nucleotide variant.
Coding change: c.958T>C on transcript NM_000186.4 (MANE Select); coding-DNA position 958, T replaced by C.
Protein change: p.Cys320Arg; replaces cysteine 320 with arginine.
Molecular consequence: missense variant.
Genome position (GRCh38, 1-based): chr1:196,685,231, T>C. VCF-style: chr1-196685231-T-C. GRCh37 (hg19) VCF-style: chr1-196654361-T-C.
Other names: c.958T>C, p.Cys320Arg (NM_001014975.3); short protein forms C320R.
Identifiers: ClinVar variation 591362 (VCV000591362.3), dbSNP rs1558159702, ClinGen allele CA343978898.